The following is an entry in ClinVar:

ClinVar aggregate classification (germline): Uncertain significance (1 of 4 stars; one submission).

Submission:

GeneDx
Classification: Uncertain significance. Last evaluated: 2017-05-03. Review status: criteria provided, single submitter. Criteria: GeneDx Variant Classification (06012015). Collection method: clinical testing. Allele origin: germline. Affected: yes.
Comment: The E33K variant has not beenpublished as pathogenic or been reported as benign to our knowledge. Furthermore, it is not observed in largepopulation cohorts (Lek et al., 2016; 1000 Genomes Consortium et al., 2015; Exome Variant Server). The E33Kvariant is a non-conservative amino acid substitution, which is likely to impact secondary protein structure as theseresidues differ in polarity, charge, size and/or other properties. However, this substitution occurs at a position that isnot conserved across species, and two of three in silico analysis programs predict this variant likely does not alter theprotein structure/function.

NM_172201.2(KCNE2):c.97G>A (p.Glu33Lys)

Genes: KCNE2 (potassium voltage-gated channel subfamily E regulatory subunit 2; plus strand), LOC105372791 (uncharacterized LOC105372791; minus strand). Cytogenetic location: 21q22.11.
Variant type: single nucleotide variant.
Coding change: c.97G>A on transcript NM_172201.2 (MANE Select); coding-DNA position 97, G replaced by A.
Protein change: p.Glu33Lys; replaces glutamic acid 33 with lysine.
Molecular consequence: missense variant.
Genome position (GRCh38, 1-based): chr21:34,370,575, G>A. VCF-style: chr21-34370575-G-A. GRCh37 (hg19) VCF-style: chr21-35742874-G-A.
Other names: short protein forms E33K.
Identifiers: ClinVar variation 429273 (VCV000429273.2), dbSNP rs1131691291, ClinGen allele CA410196271.